The following is an entry in ClinVar:

ClinVar aggregate classification (germline): Uncertain significance (1 of 4 stars; one submission).

Conditions:
Duchenne muscular dystrophy (DMD). Also called: Duchenne Muscular Dystrophy (DMD); MUSCULAR DYSTROPHY, PSEUDOHYPERTROPHIC PROGRESSIVE, DUCHENNE TYPE. Identifiers: Orphanet 98896, MedGen C0013264, MONDO:0010679, OMIM 310200.

Submission:

Labcorp Genetics (formerly Invitae), Labcorp
Classification: Uncertain significance for Duchenne muscular dystrophy. Last evaluated: 2025-04-27. Review status: criteria provided, single submitter. Criteria: Invitae Variant Classification Sherloc (09022015). Collection method: clinical testing. Allele origin: germline.
Comment: This sequence change replaces leucine, which is neutral and non-polar, with phenylalanine, which is neutral and non-polar, at codon 2326 of the DMD protein (p.Leu2326Phe). This variant is not present in population databases (gnomAD no frequency). This variant has not been reported in the literature in individuals affected with DMD-related conditions. Invitae Evidence Modeling of protein sequence and biophysical properties (such as structural, functional, and spatial information, amino acid conservation, physicochemical variation, residue mobility, and thermodynamic stability) indicates that this missense variant is not expected to disrupt DMD protein function with a negative predictive value of 95%. In summary, the available evidence is currently insufficient to determine the role of this variant in disease. Therefore, it has been classified as a Variant of Uncertain Significance.

NM_004006.3(DMD):c.6976C>T (p.Leu2326Phe)

Gene: DMD (dystrophin; minus strand). Cytogenetic location: Xp21.1.
Variant type: single nucleotide variant.
Coding change: c.6976C>T on transcript NM_004006.3 (MANE Select); coding-DNA position 6976, C replaced by T.
Protein change: p.Leu2326Phe; replaces leucine 2326 with phenylalanine.
Molecular consequence: missense variant. On other transcripts: 5 prime UTR variant (5).
Genome position (GRCh38, 1-based): chrX:31,875,310, G>A on the plus strand (C>T on the coding strand, the complement: DMD is on the minus strand). VCF-style: chrX-31875310-G-A. GRCh37 (hg19) VCF-style: chrX-31893427-G-A.
Other names: c.6952C>T, p.Leu2318Phe (NM_000109.4); c.6964C>T, p.Leu2322Phe (NM_004009.3); c.6607C>T, p.Leu2203Phe (NM_004010.3); c.2953C>T, p.Leu985Phe (NM_004011.4); c.2944C>T, p.Leu982Phe (NM_004012.4); c.-405C>T (NM_004013.3, NM_004020.4, NM_004021.3 and 2 more transcripts); short protein forms L2203F, L2318F, L2322F, L2326F, L982F, L985F.
Identifiers: ClinVar variation 4800950 (VCV004800950.1).